The following is an entry in ClinVar:

ClinVar aggregate classification (germline): Uncertain significance (1 of 4 stars; one submission).

Submission:

Labcorp Genetics (formerly Invitae), Labcorp
Classification: Uncertain significance. Last evaluated: 2025-08-22. Review status: criteria provided, single submitter. Criteria: Invitae Variant Classification Sherloc (09022015). Collection method: clinical testing. Allele origin: germline.
Comment: This sequence change replaces glycine, which is neutral and non-polar, with aspartic acid, which is acidic and polar, at codon 221 of the DHX38 protein (p.Gly221Asp). This variant is not present in population databases (gnomAD no frequency). This variant has not been reported in the literature in individuals affected with DHX38-related conditions. An algorithm developed to predict the effect of missense changes on protein structure and function (PolyPhen-2) suggests that this variant is likely to be tolerated. In summary, the available evidence is currently insufficient to determine the role of this variant in disease. Therefore, it has been classified as a Variant of Uncertain Significance.

NM_014003.4(DHX38):c.662G>A (p.Gly221Asp)

Gene: DHX38 (DEAH-box helicase 38; plus strand). Cytogenetic location: 16q22.2.
Variant type: single nucleotide variant.
Coding change: c.662G>A on transcript NM_014003.4 (MANE Select); coding-DNA position 662, G replaced by A.
Protein change: p.Gly221Asp; replaces glycine 221 with aspartic acid.
Molecular consequence: missense variant.
Genome position (GRCh38, 1-based): chr16:72,098,690, G>A. VCF-style: chr16-72098690-G-A. GRCh37 (hg19) VCF-style: chr16-72132589-G-A.
Other names: short protein forms G221D.
Identifiers: ClinVar variation 4745906 (VCV004745906.1).